The following is an entry in ClinVar:

NM_003072.5(SMARCA4):c.3383-3C>A

Gene: SMARCA4 (SWI/SNF related BAF chromatin remodeling complex subunit ATPase 4; plus strand). Cytogenetic location: 19p13.2.
Variant type: single nucleotide variant.
Coding change: c.3383-3C>A on transcript NM_003072.5 (MANE Select); 3 bases into the intron before coding-DNA position 3383, C replaced by A.
Molecular consequence: intron variant.
Genome position (GRCh38, 1-based): chr19:11,030,727, C>A. VCF-style: chr19-11030727-C-A. GRCh37 (hg19) VCF-style: chr19-11141403-C-A.
Other names: c.3383-3C>A (NM_001128844.3, NM_001128849.3, NM_001128847.4 and 5 more transcripts).
Identifiers: ClinVar variation 484849 (VCV000484849.15), dbSNP rs371558035, ClinGen allele CA305281224.

ClinVar aggregate classification (germline): Conflicting classifications of pathogenicity. Review status: criteria provided, conflicting classifications (1 of 4 stars). 4 submissions from 4 submitters: Uncertain significance (3); Likely benign (1). Last evaluated 2025-11-18.

Conditions:
Rhabdoid tumor predisposition syndrome 2 (RTPS2). Identifiers: Orphanet 231108, Orphanet 69077, MedGen C2750074, MONDO:0013224, OMIM 613325.
Hereditary cancer-predisposing syndrome. Also called: Neoplastic Syndromes, Hereditary; Tumor predisposition; Hereditary Cancer Syndrome; Hereditary neoplastic syndrome. Identifiers: Orphanet 140162, MedGen C0027672, MeSH D009386, MONDO:0015356.
Intellectual disability, autosomal dominant 16 (CSS4). Also called: COFFIN-SIRIS SYNDROME 4. Identifiers: Orphanet 1465, MedGen C3553249, MONDO:0013821, OMIM 614609.

Allele frequency attached by ClinVar (database versions not stated): gnomAD 0.00001; TOPMed 0.00001; gnomAD exomes 0.00002; ESP Exome Variant Server 0.00008.
gnomAD v4.1: 34 of 1,610,890 alleles (0.0021%); highest among the groups gnomAD compares: Non-Finnish European, 0.0028%; no homozygotes.

Submissions (4):

Labcorp Genetics (formerly Invitae), Labcorp
Classification: Uncertain significance for Rhabdoid tumor predisposition syndrome 2. Last evaluated: 2025-11-18. Review status: criteria provided, single submitter. Criteria: Invitae Variant Classification Sherloc (09022015). Collection method: clinical testing. Allele origin: germline.
Comment: This sequence change falls in intron 24 of the SMARCA4 gene. It does not directly change the encoded amino acid sequence of the SMARCA4 protein. It affects a nucleotide within the consensus splice site. This variant is not present in population databases (gnomAD no frequency). This variant has not been reported in the literature in individuals affected with SMARCA4-related conditions. ClinVar contains an entry for this variant (Variation ID: 484849). Variants that disrupt the consensus splice site are a relatively common cause of aberrant splicing (PMID: 17576681, 9536098). Algorithms developed to predict the effect of sequence changes on RNA splicing suggest that this variant is not likely to affect RNA splicing. In summary, the available evidence is currently insufficient to determine the role of this variant in disease. Therefore, it has been classified as a Variant of Uncertain Significance.

GeneDx
Classification: Uncertain significance. Last evaluated: 2023-01-17. Review status: criteria provided, single submitter. Criteria: GeneDx Variant Classification Process June 2021. Collection method: clinical testing. Allele origin: germline. Affected: yes.
Comment: Not observed at significant frequency in large population cohorts (gnomAD); In silico analysis supports that this variant does not alter splicing; Has not been previously published as pathogenic or benign to our knowledge

Genome-Nilou Lab
Classification: Uncertain significance for Intellectual disability, autosomal dominant 16. Last evaluated: 2021-07-15. Review status: criteria provided, single submitter. Criteria: ACMG Guidelines, 2015. Collection method: clinical testing. Allele origin: germline. Affected: no.

Ambry Genetics
Classification: Likely benign for Hereditary cancer-predisposing syndrome. Last evaluated: 2020-01-23. Review status: criteria provided, single submitter. Criteria: Ambry Variant Classification Scheme 2023. Collection method: clinical testing. Allele origin: germline.

Literature cited by the submitters: PubMed 17576681 (cited by Labcorp Genetics (formerly Invitae), Labcorp); PubMed 9536098 (cited by Labcorp Genetics (formerly Invitae), Labcorp).